The following is an entry in ClinVar:

NM_000256.3(MYBPC3):c.3306G>A (p.Val1102=)

Gene: MYBPC3 (myosin binding protein C3; minus strand). Cytogenetic location: 11p11.2.
Variant type: single nucleotide variant.
Coding change: c.3306G>A on transcript NM_000256.3 (MANE Select); coding-DNA position 3306, G replaced by A.
Protein change: p.Val1102=; no amino-acid change (valine 1102 retained).
Molecular consequence: synonymous variant.
Genome position (GRCh38, 1-based): chr11:47,333,218, C>T on the plus strand (G>A on the coding strand, the complement: MYBPC3 is on the minus strand). VCF-style: chr11-47333218-C-T. GRCh37 (hg19) VCF-style: chr11-47354769-C-T.
Identifiers: ClinVar variation 3387095 (VCV003387095.1).

ClinVar aggregate classification (germline): Likely benign (1 of 4 stars; one submission).

Conditions:
Hypertrophic cardiomyopathy. Also called: HYPERTROPHIC MYOCARDIOPATHY. Identifiers: Orphanet 217569, MedGen C0007194, MeSH D002312, MONDO:0005045, HP:0001639.

gnomAD v4.1: 1 of 1,599,672 alleles (0.000063%); highest among the groups gnomAD compares: Non-Finnish European, 0.000085%; no homozygotes.

Submission:

All of Us Research Program, National Institutes of Health
Classification: Likely benign for Hypertrophic cardiomyopathy. Last evaluated: 2024-07-29. Review status: criteria provided, single submitter. Criteria: ACMG Guidelines, 2015. Collection method: clinical testing. Allele origin: germline. Inheritance: Autosomal dominant inheritance. Observed: 1 variant allele, 1 heterozygote.
Comment: This study involves interpretation of variants in research participants for the purpose of population health screening. Participant phenotype was not available at the time of variant classification. Additional details can be found in publication PMID: 35346344, PMCID: PMC8962531